The following is an entry in ClinVar:

ClinVar aggregate classification (germline): Likely benign. Review status: criteria provided, multiple submitters, no conflicts (2 of 4 stars). 3 submissions from 3 submitters: Likely benign (3). Last evaluated 2026-06-01.

Conditions:
DYRK1A-related intellectual disability syndrome (MRD7). Also called: Intellectual developmental disorder, autosomal dominant 7; DYRK1A Syndrome. Identifiers: Orphanet 464306, MedGen C5568143, MONDO:0013578, OMIM 614104.

Allele frequency attached by ClinVar (database versions not stated): gnomAD exomes below 0.00001; TOPMed below 0.00001.
gnomAD v4.1: 2 of 1,431,336 alleles (0.00014%); highest among the groups gnomAD compares: East Asian, 0.0027%; no homozygotes.

Submissions (3):

CeGaT Center for Human Genetics Tuebingen
Classification: Likely benign. Last evaluated: 2026-06-01. Review status: criteria provided, single submitter. Criteria: CeGaT Center For Human Genetics Tuebingen Variant Classification Criteria Version 2. Collection method: clinical testing. Allele origin: germline. Affected: yes. Observed: 1 variant allele.
Comment: DYRK1A: BP4

Labcorp Genetics (formerly Invitae), Labcorp
Classification: Likely benign for DYRK1A-related intellectual disability syndrome. Last evaluated: 2026-02-03. Review status: criteria provided, single submitter. Criteria: Invitae Variant Classification Sherloc (09022015). Collection method: clinical testing. Allele origin: germline.

Blueprint Genetics
Classification: Likely benign. Last evaluated: 2022-06-17. Review status: criteria provided, single submitter. Criteria: ACMG Guidelines, 2015. Collection method: clinical testing. Allele origin: germline.

NM_001347721.2(DYRK1A):c.490-8T>C

Gene: DYRK1A (dual specificity tyrosine phosphorylation regulated kinase 1A; plus strand). Cytogenetic location: 21q22.13.
Variant type: single nucleotide variant.
Coding change: c.490-8T>C on transcript NM_001347721.2 (MANE Select); 8 bases into the intron before coding-DNA position 490, T replaced by C.
Molecular consequence: intron variant.
Genome position (GRCh38, 1-based): chr21:37,486,459, T>C. VCF-style: chr21-37486459-T-C. GRCh37 (hg19) VCF-style: chr21-38858761-T-C.
Other names: c.517-8T>C (NM_001396.5, NM_101395.2, NM_130438.2); c.490-8T>C (NM_001347722.2, NM_130436.2); c.403-8T>C (NM_001347723.2).
Identifiers: ClinVar variation 1088901 (VCV001088901.12), dbSNP rs1022823193, ClinGen allele CA320481143.